The following is an entry in ClinVar:

ClinVar aggregate classification (germline): Likely pathogenic (1 of 4 stars; one submission).

Submission:

Labcorp Genetics (formerly Invitae), Labcorp
Classification: Likely pathogenic. Last evaluated: 2022-08-16. Review status: criteria provided, single submitter. Criteria: Invitae Variant Classification Sherloc (09022015). Collection method: clinical testing. Allele origin: germline.
Comment: In summary, the currently available evidence indicates that the variant is pathogenic, but additional data are needed to prove that conclusively. Therefore, this variant has been classified as Likely Pathogenic. This variant disrupts the p.Arg449 amino acid residue in CYP17A1. Other variant(s) that disrupt this residue have been determined to be pathogenic (PMID: 21846181, 30002216). This suggests that this residue is clinically significant, and that variants that disrupt this residue are likely to be disease-causing. Advanced modeling of protein sequence and biophysical properties (such as structural, functional, and spatial information, amino acid conservation, physicochemical variation, residue mobility, and thermodynamic stability) performed at Invitae indicates that this missense variant is expected to disrupt CYP17A1 protein function. This variant has not been reported in the literature in individuals affected with CYP17A1-related conditions. This variant is not present in population databases (gnomAD no frequency). This sequence change replaces arginine, which is basic and polar, with leucine, which is neutral and non-polar, at codon 449 of the CYP17A1 protein (p.Arg449Leu).

Literature cited by the submitters: PubMed 21846181; PubMed 30002216.

NM_000102.4(CYP17A1):c.1346G>T (p.Arg449Leu)

Gene: CYP17A1 (cytochrome P450 family 17 subfamily A member 1; minus strand). Cytogenetic location: 10q24.32.
Variant type: single nucleotide variant.
Coding change: c.1346G>T on transcript NM_000102.4 (MANE Select); coding-DNA position 1346, G replaced by T.
Protein change: p.Arg449Leu; replaces arginine 449 with leucine.
Molecular consequence: missense variant.
Genome position (GRCh38, 1-based): chr10:102,830,883, C>A on the plus strand (G>T on the coding strand, the complement: CYP17A1 is on the minus strand). VCF-style: chr10-102830883-C-A. GRCh37 (hg19) VCF-style: chr10-104590640-C-A.
Other names: short protein forms R449L.
Identifiers: ClinVar variation 2024240 (VCV002024240.4), dbSNP rs752164207, ClinGen allele CA377938174.